The following is an entry in ClinVar:

NM_000302.4(PLOD1):c.184G>A (p.Glu62Lys)

Gene: PLOD1 (procollagen-lysine,2-oxoglutarate 5-dioxygenase 1; plus strand). Cytogenetic location: 1p36.22.
Variant type: single nucleotide variant.
Coding change: c.184G>A on transcript NM_000302.4 (MANE Select); coding-DNA position 184, G replaced by A.
Protein change: p.Glu62Lys; replaces glutamic acid 62 with lysine.
Molecular consequence: missense variant.
Genome position (GRCh38, 1-based): chr1:11,949,788, G>A. VCF-style: chr1-11949788-G-A. GRCh37 (hg19) VCF-style: chr1-12009845-G-A.
Other names: p.Glu62Lys; c.325G>A, p.Glu109Lys (NM_001316320.2); short protein forms E62K, E109K.
Identifiers: ClinVar variation 292279 (VCV000292279.13), dbSNP rs146092290, ClinGen allele CA597832.
Genomic context (GRCh38, chr1:11,949,788, plus strand): 5'-ATATTTCTTTACCAAAAGCCCGTGTTAAGGGGTGTTTCTCTCCAGGCGCTTGGCCTAGGG[G>A]AGGACTGGAATGTGGAGAAGGGGACGTCGGCAGGTGGAGGGCAGAAGGTCCGGCTGCTGA-3'
Protein context (NP_000293.2, residues 52-72): NYKIQALGLG[Glu62Lys]DWNVEKGTSA

ClinVar aggregate classification (germline): Conflicting classifications of pathogenicity. Review status: criteria provided, conflicting classifications (1 of 4 stars). 5 submissions from 5 submitters: Uncertain significance (4); Likely benign (1). Last evaluated 2026-02-05.

Conditions:
Ehlers-Danlos syndrome, kyphoscoliotic type 1 (EDSKSCL1). Also called: EHLERS-DANLOS SYNDROME, OCULAR-SCOLIOTIC TYPE; Ehlers-Danlos syndrome, hydroxylysine-deficient; EHLERS-DANLOS SYNDROME, TYPE VIA; PLOD1-Related Kyphoscoliotic Ehlers-Danlos Syndrome. Identifiers: Orphanet 1900, MedGen C0268342, MONDO:0016002, OMIM 225400. Disease mechanism: loss of function.
Familial thoracic aortic aneurysm and aortic dissection (TAAD). Also called: Thoracic aortic aneurysms and dissections. Identifiers: Orphanet 91387, MedGen C4707243, MONDO:0019625.

Allele frequency attached by ClinVar (database versions not stated): gnomAD exomes 0.00008 and 0.00007; gnomAD 0.00003 and 0.00006; 1000 Genomes Project 30x 0.00047; TOPMed 0.00002; ESP Exome Variant Server 0.00008; ExAC 0.00009; 1000 Genomes Project 0.00060.
gnomAD v4.1: 112 of 1,614,084 alleles (0.0069%); highest among the groups gnomAD compares: Middle Eastern, 0.099%; no homozygotes.

Submissions (5):

Ambry Genetics
Classification: Uncertain significance for Familial thoracic aortic aneurysm and aortic dissection. Last evaluated: 2026-02-05. Review status: criteria provided, single submitter. Criteria: Ambry Variant Classification Scheme 2023. Collection method: clinical testing. Allele origin: germline.
Comment: The p.E62K variant (also known as c.184G>A), located in coding exon 3 of the PLOD1 gene, results from a G to A substitution at nucleotide position 184. The glutamic acid at codon 62 is replaced by lysine, an amino acid with similar properties. This amino acid position is highly conserved in available vertebrate species. In addition, the in silico prediction for this alteration is inconclusive. Based on the available evidence, the clinical significance of this variant remains unclear.

Mayo Clinic Laboratories, Mayo Clinic
Classification: Likely benign. Last evaluated: 2025-10-21. Review status: criteria provided, single submitter. Criteria: ACMG Guidelines, 2015. Collection method: clinical testing. Allele origin: germline. Observed: 1 variant allele.
Comment: BS1, BP4

Women's Health and Genetics/Laboratory Corporation of America, LabCorp
Classification: Uncertain significance. Last evaluated: 2025-01-13. Review status: criteria provided, single submitter. Criteria: LabCorp Variant Classification Summary - May 2015. Collection method: clinical testing. Allele origin: germline.
Comment: Variant summary: PLOD1 c.184G>A (p.Glu62Lys) results in a conservative amino acid change in the encoded protein sequence. Four of five in-silico tools predict a benign effect of the variant on protein function. The variant allele was found at a frequency of 8.4e-05 in 251366 control chromosomes. This frequency is not significantly higher than estimated for a pathogenic variant in PLOD1 causing Ehlers-Danlos syndrome, kyphoscoliotic type 1, allowing no conclusion about variant significance. To our knowledge, no occurrence of c.184G>A in individuals affected with Ehlers-Danlos syndrome, kyphoscoliotic type 1 and no experimental evidence demonstrating its impact on protein function have been reported. ClinVar contains an entry for this variant (Variation ID: 292279). Based on the evidence outlined above, the variant was classified as uncertain significance.

Labcorp Genetics (formerly Invitae), Labcorp
Classification: Uncertain significance for Ehlers-Danlos syndrome, kyphoscoliotic type 1. Last evaluated: 2022-06-24. Review status: criteria provided, single submitter. Criteria: Invitae Variant Classification Sherloc (09022015). Collection method: clinical testing. Allele origin: germline.
Comment: This sequence change replaces glutamic acid, which is acidic and polar, with lysine, which is basic and polar, at codon 62 of the PLOD1 protein (p.Glu62Lys). This variant is present in population databases (rs146092290, gnomAD 0.03%). This variant has not been reported in the literature in individuals affected with PLOD1-related conditions. ClinVar contains an entry for this variant (Variation ID: 292279). Algorithms developed to predict the effect of missense changes on protein structure and function are either unavailable or do not agree on the potential impact of this missense change (SIFT: "Deleterious"; PolyPhen-2: "Benign"; Align-GVGD: "Class C0"). In summary, the available evidence is currently insufficient to determine the role of this variant in disease. Therefore, it has been classified as a Variant of Uncertain Significance.

Illumina Laboratory Services, Illumina
Classification: Uncertain significance for Ehlers-Danlos syndrome, kyphoscoliotic type 1. Last evaluated: 2018-01-13. Review status: criteria provided, single submitter. Criteria: ICSL Variant Classification Criteria 13 December 2019. Collection method: clinical testing. Allele origin: germline.